The following is an entry in ClinVar:

NM_004006.3(DMD):c.1812+593C>A

Gene: DMD (dystrophin; minus strand). Cytogenetic location: Xp21.1.
Variant type: single nucleotide variant.
Coding change: c.1812+593C>A on transcript NM_004006.3 (MANE Select); 593 bases into the intron after coding-DNA position 1812, C replaced by A.
Molecular consequence: intron variant.
Genome position (GRCh38, 1-based): chrX:32,572,937, G>T on the plus strand (C>A on the coding strand, the complement: DMD is on the minus strand). VCF-style: chrX-32572937-G-T. GRCh37 (hg19) VCF-style: chrX-32591054-G-T.
Other names: c.1788+593C>A (NM_000109.4); c.1800+593C>A (NM_004009.3); c.1443+593C>A (NM_004010.3).
Identifiers: ClinVar variation 4983119 (VCV004983119.1).
Genomic context (GRCh38, chrX:32,572,937, plus strand): 5'-GTTAGTTCACATGAAATCTGGTTGTTTAAAAGAGTCTGGGACCTTCCTCTTATCTCTTTT[G>T]TTTCCACTCTTGCAATGTGATATACACTGGCTCCCCTTCTCCTTCTGCCATGATTGTAAG-3'

ClinVar aggregate classification (germline): Likely benign (1 of 4 stars; one submission).

Conditions:
DMD-related disorder. Also called: DMD-related condition.

gnomAD v4.1: 3 of 110,752 alleles (0.0027%); highest among the groups gnomAD compares: African/African-American, 0.0098%; no homozygotes.

Submission:

PreventionGenetics, part of Exact Sciences
Classification: Likely benign for DMD-related condition. Last evaluated: 2026-06-30. Review status: criteria provided, single submitter. Criteria: ACMG Guidelines, 2015. Collection method: clinical testing. Allele origin: germline.
Comment: This variant is classified as likely benign based on ACMG/AMP sequence variant interpretation guidelines (Richards et al. 2015 PMID: 25741868, with internal and published modifications).